The following is an entry in ClinVar:

NM_000023.4(SGCA):c.131C>T (p.Thr44Met)

Gene: SGCA (sarcoglycan alpha; plus strand). Cytogenetic location: 17q21.33.
Variant type: single nucleotide variant.
Coding change: c.131C>T on transcript NM_000023.4 (MANE Select); coding-DNA position 131, C replaced by T.
Protein change: p.Thr44Met; replaces threonine 44 with methionine.
Molecular consequence: missense variant. On other transcripts: non-coding transcript variant (1).
Genome position (GRCh38, 1-based): chr17:50,167,461, C>T. VCF-style: chr17-50167461-C-T. GRCh37 (hg19) VCF-style: chr17-48244822-C-T.
Other names: c.131C>T, p.Thr44Met (NM_001135697.3); short protein forms T44M.
Identifiers: ClinVar variation 1037106 (VCV001037106.14), dbSNP rs770516658, ClinGen allele CA8643698.

ClinVar aggregate classification (germline): Uncertain significance. Review status: criteria provided, multiple submitters, no conflicts (2 of 4 stars). 5 submissions from 5 submitters: Uncertain significance (4). 1 of the submissions does not count toward it. Last evaluated 2023-02-08.

Conditions:
Autosomal recessive limb-girdle muscular dystrophy type 2D (LGMDR3). Also called: DUCHENNE-LIKE AUTOSOMAL RECESSIVE MUSCULAR DYSTROPHY, TYPE 2; MUSCULAR DYSTROPHY, LIMB-GIRDLE, AUTOSOMAL RECESSIVE 3; ADHALINOPATHY, PRIMARY. Identifiers: Orphanet 62, MedGen C2936332, MONDO:0011968, OMIM 608099. Disease mechanism: Affects gamma-sarcoglycan and also disrupts the integrity of the entire sarcoglycan complex..

Allele frequency attached by ClinVar (database versions not stated): gnomAD 0.00001; gnomAD exomes 0.00001; TOPMed 0.00001; ExAC 0.00002.
gnomAD v4.1: 5 of 1,614,050 alleles (0.00031%); highest among the groups gnomAD compares: Admixed American, 0.0017%; no homozygotes.

Submissions (5):

Genome-Nilou Lab
Classification: Uncertain significance for Autosomal recessive limb-girdle muscular dystrophy type 2D. Last evaluated: 2023-02-08. Review status: criteria provided, single submitter. Criteria: ACMG Guidelines, 2015. Collection method: clinical testing. Allele origin: germline.

Revvity Omics, Revvity
Classification: Uncertain significance for Autosomal recessive limb-girdle muscular dystrophy type 2D. Last evaluated: 2022-11-08. Review status: criteria provided, single submitter. Criteria: ACMG Guidelines, 2015. Collection method: clinical testing. Allele origin: germline.

Labcorp Genetics (formerly Invitae), Labcorp
Classification: Uncertain significance for Autosomal recessive limb-girdle muscular dystrophy type 2D. Last evaluated: 2022-07-27. Review status: criteria provided, single submitter. Criteria: Invitae Variant Classification Sherloc (09022015). Collection method: clinical testing. Allele origin: germline.
Comment: This sequence change replaces threonine, which is neutral and polar, with methionine, which is neutral and non-polar, at codon 44 of the SGCA protein (p.Thr44Met). This variant is present in population databases (rs770516658, gnomAD 0.003%). This variant has not been reported in the literature in individuals affected with SGCA-related conditions. ClinVar contains an entry for this variant (Variation ID: 1037106). Algorithms developed to predict the effect of missense changes on protein structure and function are either unavailable or do not agree on the potential impact of this missense change (SIFT: "Tolerated"; PolyPhen-2: "Possibly Damaging"; Align-GVGD: "Class C0"). In summary, the available evidence is currently insufficient to determine the role of this variant in disease. Therefore, it has been classified as a Variant of Uncertain Significance.

Neuberg Centre For Genomic Medicine, NCGM
Classification: Uncertain significance for Autosomal recessive limb-girdle muscular dystrophy type 2D. Review status: criteria provided, single submitter. Criteria: ACMG Guidelines, 2015. Collection method: clinical testing. Allele origin: germline. Affected: yes.
Comment: The missense variant p.T44M in SGCA (NM_000023.4) has not been reported previously as a pathogenic variant nor as a benign variant, to our knowledge. The p.T44M variant is observed in 1/34,586 (0.0029%) alleles from individuals of Latino background in gnomAD Exomes and is novel (not in any individuals) in 1000 Genomes.There is a moderate physicochemical difference between threonine and methionine.In silico tools predict a damaging effect and the residue is not conserved across species. For these reasons, this variant has been classified as Uncertain Significance.

Natera, Inc.
Classification: Uncertain significance for Limb-girdle muscular dystrophy type 2D. Last evaluated: 2021-07-08. Review status: no assertion criteria provided. Collection method: clinical testing. Allele origin: germline. Not counted in ClinVar's aggregate classification.